The following is an entry in ClinVar:

NM_016111.4(TELO2):c.441C>T (p.Pro147=)

Gene: TELO2 (telomere maintenance 2; plus strand). Cytogenetic location: 16p13.3.
Variant type: single nucleotide variant.
Coding change: c.441C>T on transcript NM_016111.4 (MANE Select); coding-DNA position 441, C replaced by T.
Protein change: p.Pro147=; no amino-acid change (proline 147 retained).
Molecular consequence: synonymous variant.
Genome position (GRCh38, 1-based): chr16:1,495,451, C>T. VCF-style: chr16-1495451-C-T. GRCh37 (hg19) VCF-style: chr16-1545452-C-T.
Other names: c.441C>T, p.Pro147= (NM_001351846.2).
Identifiers: ClinVar variation 740442 (VCV000740442.9), dbSNP rs769240165, ClinGen allele CA7811644.

ClinVar aggregate classification (germline): Likely benign. Review status: criteria provided, single submitter (1 of 4 stars). 2 submissions from 2 submitters: Likely benign (1). 1 of the submissions does not count toward it. Last evaluated 2023-05-23.

Conditions:
TELO2-related disorder. Also called: TELO2-related condition.

Allele frequency attached by ClinVar (database versions not stated): gnomAD exomes 0.00003; ExAC 0.00005; gnomAD 0.00001; TOPMed 0.00002.
gnomAD v4.1: 111 of 1,607,094 alleles (0.0069%); highest among the groups gnomAD compares: Non-Finnish European, 0.0087%; no homozygotes.

Submissions (2):

Labcorp Genetics (formerly Invitae), Labcorp
Classification: Likely benign. Last evaluated: 2023-05-23. Review status: criteria provided, single submitter. Criteria: Invitae Variant Classification Sherloc (09022015). Collection method: clinical testing. Allele origin: germline.

PreventionGenetics, part of Exact Sciences
Classification: Likely benign for TELO2-related condition. Last evaluated: 2019-08-09. Review status: no assertion criteria provided. Collection method: clinical testing. Allele origin: germline. Not counted in ClinVar's aggregate classification.
Comment: This variant is classified as likely benign based on ACMG/AMP sequence variant interpretation guidelines (Richards et al. 2015 PMID: 25741868, with internal and published modifications).